The following is an entry in ClinVar:

NM_175614.5(NDUFA11):c.323A>T (p.Tyr108Phe)

Gene: NDUFA11 (NADH:ubiquinone oxidoreductase subunit A11; minus strand). Cytogenetic location: 19p13.3.
Variant type: single nucleotide variant.
Coding change: c.323A>T on transcript NM_175614.5 (MANE Select); coding-DNA position 323, A replaced by T.
Protein change: p.Tyr108Phe; replaces tyrosine 108 with phenylalanine.
Molecular consequence: missense variant. On other transcripts: non-coding transcript variant (1), intron variant (1).
Genome position (GRCh38, 1-based): chr19:5,894,845, T>A on the plus strand (A>T on the coding strand, the complement: NDUFA11 is on the minus strand). VCF-style: chr19-5894845-T-A. GRCh37 (hg19) VCF-style: chr19-5894856-T-A.
Other names: c.314-1555A>T (NM_001193375.3); short protein forms Y108F.
Identifiers: ClinVar variation 1334653 (VCV001334653.4), dbSNP rs770353684, ClinGen allele CA9118918.

ClinVar aggregate classification (germline): Uncertain significance (1 of 4 stars; one submission).

Allele frequency attached by ClinVar (database versions not stated): gnomAD 0.00001; ExAC 0.00001; gnomAD exomes below 0.00001; TOPMed 0.00001.
gnomAD v4.1: 5 of 1,607,350 alleles (0.00031%); highest among the groups gnomAD compares: Non-Finnish European, 0.00034%; no homozygotes.

Submission:

Greenwood Genetic Center Diagnostic Laboratories, Greenwood Genetic Center
Classification: Uncertain significance. Last evaluated: 2021-11-08. Review status: criteria provided, single submitter. Criteria: ACMG Guidelines, 2015. Collection method: clinical testing. Allele origin: germline. Affected: yes.
Comment: PP3, PM2